The following is an entry in ClinVar:

NM_000512.5(GALNS):c.547G>T (p.Asp183Tyr)

Gene: GALNS (galactosamine (N-acetyl)-6-sulfatase; minus strand). Cytogenetic location: 16q24.3.
Variant type: single nucleotide variant.
Coding change: c.547G>T on transcript NM_000512.5 (MANE Select); coding-DNA position 547, G replaced by T.
Protein change: p.Asp183Tyr; replaces aspartic acid 183 with tyrosine.
Molecular consequence: missense variant. On other transcripts: 5 prime UTR variant (1).
Genome position (GRCh38, 1-based): chr16:88,837,641, C>A on the plus strand (G>T on the coding strand, the complement: GALNS is on the minus strand). VCF-style: chr16-88837641-C-A. GRCh37 (hg19) VCF-style: chr16-88904049-C-A.
Other names: c.-9G>T (NM_001323543.2); c.565G>T, p.Asp189Tyr (NM_001323544.2); short protein forms D183Y, D189Y.
Identifiers: ClinVar variation 1048290 (VCV001048290.8), dbSNP rs2143002331, ClinGen allele CA397082717.

ClinVar aggregate classification (germline): Conflicting classifications of pathogenicity. Review status: criteria provided, conflicting classifications (1 of 4 stars). 2 submissions from 2 submitters: Likely pathogenic (1); Uncertain significance (1). Last evaluated 2022-07-14.

Conditions:
Mucopolysaccharidosis, MPS-IV-A (MPS4A). Also called: Mucopolysaccharidosis type IV A; Mucopolysaccharidosis Type IVA; Morquio syndrome A, mild; MORQUIO SYNDROME A; MPS IVA; mucopolysaccharidosis type 4A. Identifiers: Orphanet 309297, Orphanet 582, MedGen C0086651, MONDO:0009659, OMIM 253000.

Submissions (2):

Labcorp Genetics (formerly Invitae), Labcorp
Classification: Likely pathogenic for Mucopolysaccharidosis, MPS-IV-A. Last evaluated: 2022-07-14. Review status: criteria provided, single submitter. Criteria: Invitae Variant Classification Sherloc (09022015). Collection method: clinical testing. Allele origin: germline.
Comment: This sequence change replaces aspartic acid, which is acidic and polar, with tyrosine, which is neutral and polar, at codon 183 of the GALNS protein (p.Asp183Tyr). This variant is not present in population databases (gnomAD no frequency). This missense change has been observed in individual(s) with mucopolysaccharidosis type IVA (PMID: 30927141; Invitae). ClinVar contains an entry for this variant (Variation ID: 1048290). Advanced modeling of protein sequence and biophysical properties (such as structural, functional, and spatial information, amino acid conservation, physicochemical variation, residue mobility, and thermodynamic stability) performed at Invitae indicates that this missense variant is expected to disrupt GALNS protein function. Algorithms developed to predict the effect of sequence changes on RNA splicing suggest that this variant may disrupt the consensus splice site. In summary, the currently available evidence indicates that the variant is pathogenic, but additional data are needed to prove that conclusively. Therefore, this variant has been classified as Likely Pathogenic.

Laboratory of Diagnosis and Therapy of Lysosomal Disorders, University of Padova
Classification: Uncertain significance for Mucopolysaccharidosis, MPS-IV-A. Last evaluated: 2021-02-01. Review status: criteria provided, single submitter. Criteria: ACMG Guidelines, 2015. Collection method: curation. Allele origin: germline. Affected: yes.
Comment: Absent from gnomAD v2.1.1 (PM2_moderate); multiple lines of computational evidence support a deleterious effect on the gene (PP3_supporting)

Literature cited by the submitters: PubMed 30927141 (cited by Labcorp Genetics (formerly Invitae), Labcorp and Laboratory of Diagnosis and Therapy of Lysosomal Disorders, University of Padova); PubMed 29275451 (cited by Laboratory of Diagnosis and Therapy of Lysosomal Disorders, University of Padova); PubMed 34387910 (cited by Laboratory of Diagnosis and Therapy of Lysosomal Disorders, University of Padova).